The following is an entry in ClinVar:

NC_000021.9:g.33578432_33578446dup

Gene: DONSON (DNA replication fork stabilization factor DONSON; minus strand). Cytogenetic location: 21q22.11.
Variant type: Duplication.
Genome position: GRCh38 VCF-style: chr21-33578426-G-GCTCCTTATGAACAAC. GRCh37 (hg19) VCF-style: chr21-34950732-G-GCTCCTTATGAACAAC.
Identifiers: ClinVar variation 1505552 (VCV001505552.6), dbSNP rs2145897172, ClinGen allele CA2573157417.

ClinVar aggregate classification (germline): Uncertain significance (1 of 4 stars; one submission).

Submission:

Labcorp Genetics (formerly Invitae), Labcorp
Classification: Uncertain significance. Last evaluated: 2024-08-13. Review status: criteria provided, single submitter. Criteria: Invitae Variant Classification Sherloc (09022015). Collection method: clinical testing. Allele origin: germline.
Comment: This variant, c.1567_1581dup, results in the insertion of 5 amino acid(s) of the DONSON protein (p.Val523_Glu527dup), but otherwise preserves the integrity of the reading frame. This variant is not present in population databases (gnomAD no frequency). This variant has not been reported in the literature in individuals affected with DONSON-related conditions. ClinVar contains an entry for this variant (Variation ID: 1505552). Experimental studies and prediction algorithms are not available or were not evaluated, and the functional significance of this variant is currently unknown. In summary, the available evidence is currently insufficient to determine the role of this variant in disease. Therefore, it has been classified as a Variant of Uncertain Significance.